The following is an entry in ClinVar:

NM_000152.5(GAA):c.2408_2426del (p.Gln803fs)

Gene: GAA (alpha glucosidase; plus strand). Cytogenetic location: 17q25.3.
Variant type: Deletion.
Coding change: c.2408_2426del on transcript NM_000152.5 (MANE Select); coding-DNA positions 2408 to 2426, 19 bases deleted (AGTGGGTGACGCTGCCGGC).
Protein change: p.Gln803fs; shifts the reading frame from glutamine 803.
Molecular consequence: frameshift variant.
Genome position (GRCh38, 1-based): chr17:80,117,676-80,117,694, AGTGGGTGACGCTGCCGGC deleted; deleting any 19 consecutive bases within chr17:80,117,673-80,117,694 gives the same sequence; the c. name uses the placement nearest the transcript's 3' end. VCF-style (leftmost placement, unchanged base first): chr17-80117672-GGGCAGTGGGTGACGCTGCC-G. GRCh37 (hg19) VCF-style: chr17-78091471-GGGCAGTGGGTGACGCTGCC-G.
Other names: c.2408_2426del19 (NM_000152.4); c.2408_2426delAGTGGGTGACGCTGCCGGC (NM_000152.4); c.2408_2426del, p.Gln803fs (NM_001079803.3, NM_001079804.3); short protein forms Q803fs.
Identifiers: ClinVar variation 1074956 (VCV001074956.19), dbSNP rs763048948, ClinGen allele CA8815729.

ClinVar aggregate classification (germline): Pathogenic/Likely pathogenic. Review status: criteria provided, multiple submitters, no conflicts (2 of 4 stars). 8 submissions from 8 submitters: Pathogenic (7); Likely pathogenic (1). Last evaluated 2026-07-01.

Conditions:
Glycogen storage disease, type II (IOPD). Also called: POMPE DISEASE, INFANTILE-ONSET; GLYCOGEN STORAGE DISEASE II, INFANTILE-ONSET; ACID ALPHA-GLUCOSIDASE DEFICIENCY, INFANTILE-ONSET; GAA DEFICIENCY, INFANTILE-ONSET; ACID MALTASE DEFICIENCY, INFANTILE-ONSET; Pompe Disease. Identifiers: Orphanet 365, MedGen C0017921, MONDO:0009290, OMIM 232300.
GAA-related disorders.

Submissions (8):

Genomenon, Inc
Classification: Pathogenic for Glycogen storage disease, type II. Last evaluated: 2026-07-01. Review status: criteria provided, single submitter. Criteria: Genomenon Sequence Variant Interpretation Standards - Updated. Collection method: curation. Allele origin: germline. Affected: yes.
Comment: GAA p.Gln803ProfsTer39 (c.2408_2426del) is a frameshift variant that is predicted to introduce a premature termination codon and result in a truncated or absent protein product. This variant has been observed in at least one proband with a GAA-related disorder (PMID:31342611). It is absent or not present at a significant frequency in gnomAD. In conclusion, we classify GAA p.Gln803ProfsTer39 (c.2408_2426del) as a pathogenic variant.

Revvity Omics, Revvity
Classification: Pathogenic. Last evaluated: 2025-02-18. Review status: criteria provided, single submitter. Criteria: ACMG Guidelines, 2015. Collection method: clinical testing. Allele origin: germline.

Natera, Inc.
Classification: Likely pathogenic for Glycogen storage disease type II. Last evaluated: 2025-01-28. Review status: criteria provided, single submitter. Criteria: Natera Variant Classification Schema (03/2026). Collection method: clinical testing. Allele origin: germline.
Comment: The c.2408_2426delAGTGGGTGACGCTGCCGGC variant in GAA is a frameshift variant predicted to shift the reading frame beginning at codon 803 and leads to a stop codon 39 codons downstream. This variant is expected to result in nonsense mediated decay, truncation, or a dysfunctional protein product. This variant is rare in the general population with a frequency below the threshold expected for the associated phenotype(s). Given the available evidence, this variant is classified as Likely Pathogenic.

Fulgent Genetics
Classification: Pathogenic for Glycogen storage disease, type II. Last evaluated: 2024-01-31. Review status: criteria provided, single submitter. Criteria: ACMG Guidelines, 2015. Collection method: clinical testing. Allele origin: germline.

Baylor Genetics
Classification: Pathogenic for Glycogen storage disease, type II. Last evaluated: 2023-11-08. Review status: criteria provided, single submitter. Criteria: ACMG Guidelines, 2015. Collection method: clinical testing. Allele origin: unknown.

Labcorp Genetics (formerly Invitae), Labcorp
Classification: Pathogenic for Glycogen storage disease, type II. Last evaluated: 2023-10-22. Review status: criteria provided, single submitter. Criteria: Invitae Variant Classification Sherloc (09022015). Collection method: clinical testing. Allele origin: germline.
Comment: This sequence change creates a premature translational stop signal (p.Gln803Profs*39) in the GAA gene. It is expected to result in an absent or disrupted protein product. Loss-of-function variants in GAA are known to be pathogenic (PMID: 18425781, 22252923). This variant is present in population databases (rs763048948, gnomAD 0.006%). This premature translational stop signal has been observed in individual(s) with Pompe disease (PMID: 22252923). ClinVar contains an entry for this variant (Variation ID: 1074956). For these reasons, this variant has been classified as Pathogenic.

Women's Health and Genetics/Laboratory Corporation of America, LabCorp
Classification: Pathogenic for Glycogen storage disease, type II. Last evaluated: 2023-04-05. Review status: criteria provided, single submitter. Criteria: LabCorp Variant Classification Summary - May 2015. Collection method: clinical testing. Allele origin: germline.
Comment: Variant summary: GAA c.2408_2426del19 (p.Gln803ProfsX39) results in a premature termination codon, predicted to cause a truncation of the encoded protein or absence of the protein due to nonsense mediated decay, which are commonly known mechanisms for disease. Truncations downstream of this position have been classified as pathogenic by our laboratory. The variant allele was found at a frequency of 1.2e-05 in 248564 control chromosomes. The available data on variant occurrences in the general population are insufficient to allow any conclusion about variant significance. c.2408_2426del19 has been reported in the literature in at least one individual affected with Glycogen Storage Disease, Type 2 (Pompe Disease) (e.g., Bali_2012). To our knowledge, no experimental evidence demonstrating an impact on protein function has been reported. Two ClinVar submitters (evaluation after 2014) cite the variant as pathogenic. Based on the evidence outlined above, the variant was classified as pathogenic.

Blueprint Genetics
Classification: Pathogenic for GAA-related disorders. Last evaluated: 2022-02-21. Review status: criteria provided, single submitter. Criteria: ACMG Guidelines, 2015. Collection method: clinical testing. Allele origin: germline. Affected: yes. Observed: 1 variant allele.

Literature cited by the submitters: PubMed 31342611 (cited by Genomenon, Inc); PubMed 18425781 (cited by Labcorp Genetics (formerly Invitae), Labcorp); PubMed 22252923 (cited by Labcorp Genetics (formerly Invitae), Labcorp and Women's Health and Genetics/Laboratory Corporation of America, LabCorp); PubMed 33073007 (cited by Women's Health and Genetics/Laboratory Corporation of America, LabCorp).